The following is an entry in ClinVar:

NM_000018.4(ACADVL):c.244C>A (p.Leu82Ile)

Gene: ACADVL (acyl-CoA dehydrogenase very long chain; plus strand). Cytogenetic location: 17p13.1.
Variant type: single nucleotide variant.
Coding change: c.244C>A on transcript NM_000018.4 (MANE Select); coding-DNA position 244, C replaced by A.
Protein change: p.Leu82Ile; replaces leucine 82 with isoleucine.
Molecular consequence: missense variant.
Genome position (GRCh38, 1-based): chr17:7,220,643, C>A. VCF-style: chr17-7220643-C-A. GRCh37 (hg19) VCF-style: chr17-7123962-C-A.
Other names: c.178C>A, p.Leu60Ile (NM_001033859.3); c.313C>A, p.Leu105Ile (NM_001270447.2); c.16C>A, p.Leu6Ile (NM_001270448.2); c.244C>A (NM_000018.2); short protein forms L105I, L60I, L6I, L82I.
Identifiers: ClinVar variation 2415225 (VCV002415225.6), dbSNP rs1262964096, ClinGen allele CA397722409.

ClinVar aggregate classification (germline): Uncertain significance. Review status: criteria provided, multiple submitters, no conflicts (2 of 4 stars). 2 submissions from 2 submitters: Uncertain significance (2). Last evaluated 2023-06-21.

Conditions:
Inborn genetic diseases. Identifiers: MedGen C0950123, MeSH D030342.
Very long chain acyl-CoA dehydrogenase deficiency (ACADVLD). Also called: VLCAD Deficiency; Very Long-Chain Acyl-Coenzyme A Dehydrogenase Deficiency. Identifiers: Orphanet 26793, MedGen C3887523, MONDO:0008723, OMIM 201475.

Allele frequency attached by ClinVar (database versions not stated): TOPMed below 0.00001; gnomAD 0.00001; gnomAD exomes 0.00001.
gnomAD v4.1: 18 of 1,614,092 alleles (0.0011%); highest among the groups gnomAD compares: Non-Finnish European, 0.0014%; no homozygotes.

Submissions (2):

Ambry Genetics
Classification: Uncertain significance for Inborn genetic diseases. Last evaluated: 2023-06-21. Review status: criteria provided, single submitter. Criteria: Ambry Variant Classification Scheme 2023. Collection method: clinical testing. Allele origin: germline.

Labcorp Genetics (formerly Invitae), Labcorp
Classification: Uncertain significance for Very long chain acyl-CoA dehydrogenase deficiency. Last evaluated: 2023-05-15. Review status: criteria provided, single submitter. Criteria: Invitae Variant Classification Sherloc (09022015). Collection method: clinical testing. Allele origin: germline.
Comment: This variant is not present in population databases (gnomAD no frequency). In summary, the available evidence is currently insufficient to determine the role of this variant in disease. Therefore, it has been classified as a Variant of Uncertain Significance. Advanced modeling of protein sequence and biophysical properties (such as structural, functional, and spatial information, amino acid conservation, physicochemical variation, residue mobility, and thermodynamic stability) has been performed at Invitae for this missense variant, however the output from this modeling did not meet the statistical confidence thresholds required to predict the impact of this variant on ACADVL protein function. ClinVar contains an entry for this variant (Variation ID: 2415225). This variant has not been reported in the literature in individuals affected with ACADVL-related conditions. This sequence change replaces leucine, which is neutral and non-polar, with isoleucine, which is neutral and non-polar, at codon 82 of the ACADVL protein (p.Leu82Ile).